The following is an entry in ClinVar:

ClinVar aggregate classification (germline): Uncertain significance (1 of 4 stars; one submission).

Submission:

Women's Health and Genetics/Laboratory Corporation of America, LabCorp
Classification: Uncertain significance. Last evaluated: 2025-03-27. Review status: criteria provided, single submitter. Criteria: LabCorp Variant Classification Summary - May 2015. Collection method: clinical testing. Allele origin: germline.
Comment: Variant summary: GSTZ1 c.151delC (p.Gln51ArgfsX3) results in a premature termination codon, predicted to cause a truncation of the encoded protein or absence of the protein due to nonsense mediated decay, however current evidence is not sufficient to establish loss of function as a mechanism for disease. The variant allele was found at a frequency of 4.1e-06 in 241480 control chromosomes (gnomAD). The available data on variant occurrences in the general population are insufficient to allow any conclusion about variant significance. To our knowledge, no occurrence of c.151delC in individuals affected with Maleylacetoacetate Isomerase Deficiency and no experimental evidence demonstrating its impact on protein function have been reported. No submitters have cited clinical-significance assessments for this variant to ClinVar. Based on the evidence outlined above, the variant was classified as uncertain significance.

NM_145870.3(GSTZ1):c.151del (p.Gln51fs)

Gene: GSTZ1 (glutathione S-transferase zeta 1; plus strand). Cytogenetic location: 14q24.3.
Variant type: Deletion.
Coding change: c.151del on transcript NM_145870.3 (MANE Select); coding-DNA position 151, one base deleted (C; older notation c.151delC).
Protein change: p.Gln51fs; shifts the reading frame from glutamine 51.
Molecular consequence: frameshift variant. On other transcripts: 5 prime UTR variant (1).
Genome position (GRCh38, 1-based): chr14:77,327,487, C deleted; the last of 2 consecutive C bases (chr14:77,327,486-77,327,487); deleting either gives the same sequence. VCF-style (leftmost placement, unchanged base first): chr14-77327485-TC-T. GRCh37 (hg19) VCF-style: chr14-77793828-TC-T.
Other names: c.-15del (NM_001312660.2); c.154del, p.Gln52fs (NM_001363703.2); c.151del, p.Gln51fs (NM_145871.3); c.151delC (NM_145870.3); short protein forms Q51fs, Q52fs.
Identifiers: ClinVar variation 3895911 (VCV003895911.1).
Genomic context (GRCh38, chr14:77,327,485, plus strand): 5'-CCAACTCAGGCCAGGCCACCCAGCCCACCAGGGCCTTGTCTCCACAGTTTTCTAAGGACT[TC>T]CAGGCACTGAATCCTATGAAGCAGGTGCCAACCCTGAAGATTGATGGAATCACCATTCAC-3'